The following is an entry in ClinVar:

ClinVar aggregate classification (germline): Uncertain significance. Review status: criteria provided, multiple submitters, no conflicts (2 of 4 stars). 2 submissions from 2 submitters: Uncertain significance (2). Last evaluated 2024-09-03.

Conditions:
Inborn genetic diseases. Identifiers: MedGen C0950123, MeSH D030342.

Allele frequency attached by ClinVar (database versions not stated): TOPMed 0.00002; gnomAD 0.00003.

Submissions (2):

Labcorp Genetics (formerly Invitae), Labcorp
Classification: Uncertain significance. Last evaluated: 2024-09-03. Review status: criteria provided, single submitter. Criteria: Invitae Variant Classification Sherloc (09022015). Collection method: clinical testing. Allele origin: germline.
Comment: This sequence change replaces glutamic acid, which is acidic and polar, with glycine, which is neutral and non-polar, at codon 117 of the MRAS protein (p.Glu117Gly). This variant is present in population databases (no rsID available, gnomAD 0.02%). This variant has not been reported in the literature in individuals affected with MRAS-related conditions. ClinVar contains an entry for this variant (Variation ID: 1970208). An algorithm developed to predict the effect of missense changes on protein structure and function (PolyPhen-2) suggests that this variant is likely to be tolerated. In summary, the available evidence is currently insufficient to determine the role of this variant in disease. Therefore, it has been classified as a Variant of Uncertain Significance.

Ambry Genetics
Classification: Uncertain significance for Inborn genetic diseases. Last evaluated: 2023-10-01. Review status: criteria provided, single submitter. Criteria: Ambry Variant Classification Scheme 2023. Collection method: clinical testing. Allele origin: germline.
Comment: The p.E117G variant (also known as c.350A>G), located in coding exon 3 of the MRAS gene, results from an A to G substitution at nucleotide position 350. The glutamic acid at codon 117 is replaced by glycine, an amino acid with similar properties. This amino acid position is conserved. In addition, the in silico prediction for this alteration is inconclusive. Since supporting evidence is limited at this time, the clinical significance of this alteration remains unclear.

NM_001085049.3(MRAS):c.350A>G (p.Glu117Gly)

Gene: MRAS (muscle RAS oncogene homolog; plus strand). Cytogenetic location: 3q22.3.
Variant type: single nucleotide variant.
Coding change: c.350A>G on transcript NM_001085049.3 (MANE Select); coding-DNA position 350, A replaced by G.
Protein change: p.Glu117Gly; replaces glutamic acid 117 with glycine.
Molecular consequence: missense variant.
Genome position (GRCh38, 1-based): chr3:138,398,471, A>G. VCF-style: chr3-138398471-A-G. GRCh37 (hg19) VCF-style: chr3-138117313-A-G.
Other names: c.350A>G, p.Glu117Gly (NM_001252090.2, NM_012219.4); c.122A>G, p.Glu41Gly (NM_001252091.1, NM_001252092.2, NM_001252093.2); c.350A>G (NM_012219.3); short protein forms E117G, E41G.
Identifiers: ClinVar variation 1970208 (VCV001970208.6), dbSNP rs1178414530, ClinGen allele CA354674238.